The following is an entry in ClinVar:

ClinVar aggregate classification (germline): Uncertain significance (1 of 4 stars; one submission).

Allele frequency attached by ClinVar (database versions not stated): gnomAD exomes below 0.00001.
gnomAD v4.1: 1 of 1,613,164 alleles (0.000062%); highest among the groups gnomAD compares: Non-Finnish European, 0.000085%; no homozygotes.

Submission:

Labcorp Genetics (formerly Invitae), Labcorp
Classification: Uncertain significance. Last evaluated: 2025-10-02. Review status: criteria provided, single submitter. Criteria: Invitae Variant Classification Sherloc (09022015). Collection method: clinical testing. Allele origin: germline.
Comment: This sequence change replaces aspartic acid, which is acidic and polar, with valine, which is neutral and non-polar, at codon 1482 of the PCLO protein (p.Asp1482Val). This variant is not present in population databases (gnomAD no frequency). This variant has not been reported in the literature in individuals affected with PCLO-related conditions. ClinVar contains an entry for this variant (Variation ID: 1371604). Experimental studies and prediction algorithms are not available or were not evaluated, and the functional significance of this variant is currently unknown. In summary, the available evidence is currently insufficient to determine the role of this variant in disease. Therefore, it has been classified as a Variant of Uncertain Significance.

NM_033026.6(PCLO):c.4445A>T (p.Asp1482Val)

Gene: PCLO (piccolo presynaptic cytomatrix protein; minus strand). Cytogenetic location: 7q21.11.
Variant type: single nucleotide variant.
Coding change: c.4445A>T on transcript NM_033026.6 (MANE Select); coding-DNA position 4445, A replaced by T.
Protein change: p.Asp1482Val; replaces aspartic acid 1482 with valine.
Molecular consequence: missense variant.
Genome position (GRCh38, 1-based): chr7:82,956,508, T>A on the plus strand (A>T on the coding strand, the complement: PCLO is on the minus strand). VCF-style: chr7-82956508-T-A. GRCh37 (hg19) VCF-style: chr7-82585824-T-A.
Other names: c.4445A>T, p.Asp1482Val (NM_014510.3); short protein forms D1482V.
Identifiers: ClinVar variation 1371604 (VCV001371604.6), dbSNP rs2115577071, ClinGen allele CA367926753.
Genomic context (GRCh38, chr7:82,956,508, plus strand): 5'-TCATCAACAAACTCAGACTTCTCTTTATGGTCCTTGCTGGAAGGAATATCTTGTTGGCTA[T>A]CTTTTTTAAAAGTGTCTTTCCTTTCTTCTTGACTCTCTTTGATCTCCTCTTCTGAAATAG-3'
Protein context (NP_149015.2, residues 1472-1492): QEERKDTFKK[Asp1482Val]SQQDIPSSKD